The following is an entry in ClinVar:

NC_000003.12:g.169764702A>G

Genes: TERC (telomerase RNA component; minus strand), LOC110806306 (telomerase RNA component (TERC) promoter; plus strand). Cytogenetic location: 3q26.2.
Variant type: single nucleotide variant.
Genome position: GRCh38 VCF-style: chr3-169764702-A-G. GRCh37 (hg19) VCF-style: chr3-169482490-A-G.
Identifiers: ClinVar variation 1045345 (VCV001045345.9), dbSNP rs753524068, ClinGen allele CA2696793.
Genomic context (GRCh38, chr3:169,764,702, plus strand): 5'-CACAGCTCAGGGAATCGCGCCGCGCGCGGGGACTCGCTCCGTTCCTCTTCCTGCGGCCTG[A>G]AAGGCCTGAACCTCGCCCTCGCCCCCGAGAGACCCGCGGCTGACAGAGCCCAACTCTTCG-3'

ClinVar aggregate classification (germline): Uncertain significance (1 of 4 stars; one submission).

Conditions:
Dyskeratosis congenita, autosomal dominant 1 (DKCA1). Also called: Dyskeratosis congenita Scoggins type. Identifiers: Orphanet 1775, MedGen C4551974, MONDO:0007485, OMIM 127550. Inheritance: Variable.

Allele frequency attached by ClinVar (database versions not stated): ExAC 0.00001; gnomAD exomes 0.00001.
gnomAD v4.1: 4 of 761,482 alleles (0.00053%); highest among the groups gnomAD compares: Non-Finnish European, 0.00096%; no homozygotes.

Submission:

Labcorp Genetics (formerly Invitae), Labcorp
Classification: Uncertain significance for Dyskeratosis congenita, autosomal dominant 1. Last evaluated: 2023-07-08. Review status: criteria provided, single submitter. Criteria: Invitae Variant Classification Sherloc (09022015). Collection method: clinical testing. Allele origin: germline.
Comment: In summary, the available evidence is currently insufficient to determine the role of this variant in disease. Therefore, it has been classified as a Variant of Uncertain Significance. This variant is located within the BoxH/ACA scaRNA domain of the TERC RNA component, which is required for telomerase activity (PMID: 21844345). ClinVar contains an entry for this variant (Variation ID: 1045345). This variant has not been reported in the literature in individuals affected with TERC-related conditions. This variant is present in population databases (rs753524068, gnomAD 0.002%). This variant occurs in the TERC gene, which encodes an RNA molecule that does not result in a protein product.

Literature cited by the submitters: PubMed 21844345.